The following is an entry in ClinVar:

ClinVar aggregate classification (germline): Uncertain significance (1 of 4 stars; one submission).

Conditions:
Progressive myoclonic epilepsy. Also called: Familial progressive myoclonic epilepsy; Myoclonus epilepsy; Myoclonic Epilepsies, Progressive; Progressive myoclonus epilepsy. Identifiers: Orphanet 308, Orphanet 98261, MedGen C0751778, MONDO:0020074.

Allele frequency attached by ClinVar (database versions not stated): TOPMed below 0.00001; gnomAD 0.00001; ExAC 0.00002; gnomAD exomes 0.00002 and 0.00006; ESP Exome Variant Server 0.00008.
gnomAD v4.1: 88 of 1,613,926 alleles (0.0055%); highest among the groups gnomAD compares: Non-Finnish European, 0.0074%; no homozygotes.

Submission:

Labcorp Genetics (formerly Invitae), Labcorp
Classification: Uncertain significance for Progressive myoclonic epilepsy. Last evaluated: 2018-04-04. Review status: criteria provided, single submitter. Criteria: Invitae Variant Classification Sherloc (09022015). Collection method: clinical testing. Allele origin: germline.
Comment: This sequence change replaces threonine with alanine at codon 143 of the EPM2A protein (p.Thr143Ala). The threonine residue is highly conserved and there is a small physicochemical difference between threonine and alanine. This variant is present in population databases (rs144204777, ExAC 0.003%). This variant has not been reported in the literature in individuals with EPM2A-related disease. Algorithms developed to predict the effect of missense changes on protein structure and function do not agree on the potential impact of this missense change (SIFT: "Deleterious"; PolyPhen-2: "Benign"; Align-GVGD: "Class C0"). In summary, the available evidence is currently insufficient to determine the role of this variant in disease. Therefore, it has been classified as a Variant of Uncertain Significance.

NM_005670.4(EPM2A):c.427A>G (p.Thr143Ala)

Gene: EPM2A (EPM2A glucan phosphatase, laforin; minus strand). Cytogenetic location: 6q24.3.
Variant type: single nucleotide variant.
Coding change: c.427A>G on transcript NM_005670.4 (MANE Select); coding-DNA position 427, A replaced by G.
Protein change: p.Thr143Ala; replaces threonine 143 with alanine.
Molecular consequence: missense variant. On other transcripts: 5 prime UTR variant (2), non-coding transcript variant (1).
Genome position (GRCh38, 1-based): chr6:145,686,171, T>C on the plus strand (A>G on the coding strand, the complement: EPM2A is on the minus strand). VCF-style: chr6-145686171-T-C. GRCh37 (hg19) VCF-style: chr6-146007307-T-C.
Other names: c.427A>G, p.Thr143Ala (NM_001018041.2, NM_001360057.2, NM_001368130.1); c.13A>G, p.Thr5Ala (NM_001360064.2, NM_001360071.2, NM_001368131.1); c.-197A>G (NM_001368129.2, NM_001368132.1); short protein forms T143A, T5A.
Identifiers: ClinVar variation 567428 (VCV000567428.8), dbSNP rs144204777, ClinGen allele CA4035172.